The following is an entry in ClinVar:

NM_178857.6(RP1L1):c.404A>G (p.Gln135Arg)

Gene: RP1L1 (RP1 like 1). Cytogenetic location: 8p23.1.
Variant type: single nucleotide variant.
Coding change: c.404A>G on transcript NM_178857.6 (MANE Select); coding-DNA position 404, A replaced by G.
Protein change: p.Gln135Arg; replaces glutamine 135 with arginine.
Molecular consequence: missense variant.
Genome position (GRCh38, 1-based): chr8:10,622,798, T>C on the plus strand (A>G on the coding strand, the complement: RP1L1 is on the minus strand). VCF-style: chr8-10622798-T-C. GRCh37 (hg19) VCF-style: chr8-10480308-T-C.
Other names: short protein forms Q135R.
Identifiers: ClinVar variation 1474748 (VCV001474748.9), dbSNP rs1798085612, ClinGen allele CA370300275.

ClinVar aggregate classification (germline): Uncertain significance. Review status: criteria provided, multiple submitters, no conflicts (2 of 4 stars). 2 submissions from 2 submitters: Uncertain significance (2). Last evaluated 2022-11-22.

Allele frequency attached by ClinVar (database versions not stated): gnomAD exomes below 0.00001.
gnomAD v4.1: 1 of 1,613,916 alleles (0.000062%); highest among the groups gnomAD compares: South Asian, 0.0011%; no homozygotes.

Submissions (2):

Labcorp Genetics (formerly Invitae), Labcorp
Classification: Uncertain significance. Last evaluated: 2022-11-22. Review status: criteria provided, single submitter. Criteria: Invitae Variant Classification Sherloc (09022015). Collection method: clinical testing. Allele origin: germline.
Comment: In summary, the available evidence is currently insufficient to determine the role of this variant in disease. Therefore, it has been classified as a Variant of Uncertain Significance. Advanced modeling of protein sequence and biophysical properties (such as structural, functional, and spatial information, amino acid conservation, physicochemical variation, residue mobility, and thermodynamic stability) performed at Invitae indicates that this missense variant is not expected to disrupt RP1L1 protein function. ClinVar contains an entry for this variant (Variation ID: 1474748). This variant has not been reported in the literature in individuals affected with RP1L1-related conditions. This variant is not present in population databases (gnomAD no frequency). This sequence change replaces glutamine, which is neutral and polar, with arginine, which is basic and polar, at codon 135 of the RP1L1 protein (p.Gln135Arg).

Blueprint Genetics
Classification: Uncertain significance. Last evaluated: 2017-09-15. Review status: criteria provided, single submitter. Criteria: ACMG Guidelines, 2015. Collection method: clinical testing. Allele origin: germline.